The following is an entry in ClinVar:

NM_001257291.2(SLC9A7):c.2030C>G (p.Ser677Ter)

Gene: SLC9A7 (solute carrier family 9 member A7; minus strand). Cytogenetic location: Xp11.3.
Variant type: single nucleotide variant.
Coding change: c.2030C>G on transcript NM_001257291.2 (MANE Select); coding-DNA position 2030, C replaced by G.
Protein change: p.Ser677Ter; replaces serine 677 with a stop codon.
Molecular consequence: nonsense.
Genome position (GRCh38, 1-based): chrX:46,607,103, G>C on the plus strand (C>G on the coding strand, the complement: SLC9A7 is on the minus strand). VCF-style: chrX-46607103-G-C. GRCh37 (hg19) VCF-style: chrX-46466538-G-C.
Other names: c.2027C>G, p.Ser676Ter (NM_032591.3); short protein forms S676*, S677*.
Identifiers: ClinVar variation 3899168 (VCV003899168.1).
Genomic context (GRCh38, chrX:46,607,103, plus strand): 5'-TCCGAGCTGCTCTTCGTTCTCCGGCTGCCCTCCAGACTCGTGGAGGCGGTGTGCGAACTT[G>C]AGGAGCCATTTGCAGTCACTGTGCTGTCCCCGTAGGTCAATGTCAGGTCGCCTTCGGTCA-3'

ClinVar aggregate classification (germline): Uncertain significance (1 of 4 stars; one submission).

gnomAD v4.1: 2 of 1,209,613 alleles (0.00017%); highest among the groups gnomAD compares: African/African-American, 0.0035%; no homozygotes.

Submission:

GeneDx
Classification: Uncertain significance. Last evaluated: 2024-11-11. Review status: criteria provided, single submitter. Criteria: GeneDx Variant Classification Process June 2021. Collection method: clinical testing. Allele origin: germline. Affected: yes.
Comment: Nonsense variant predicted to result in protein truncation as the last 50 amino acids are lost with an unclear effect on protein function; Has not been previously published as pathogenic or benign to our knowledge